The following is an entry in ClinVar:

ClinVar aggregate classification (germline): Uncertain significance. Review status: criteria provided, multiple submitters, no conflicts (2 of 4 stars). 2 submissions from 2 submitters: Uncertain significance (2). Last evaluated 2024-04-01.

Submissions (2):

CeGaT Center for Human Genetics Tuebingen
Classification: Uncertain significance. Last evaluated: 2024-04-01. Review status: criteria provided, single submitter. Criteria: CeGaT Center For Human Genetics Tuebingen Variant Classification Criteria Version 2. Collection method: clinical testing. Allele origin: germline. Affected: yes. Observed: 1 variant allele.
Comment: BRIP1: PM2, BP4

Women's Health and Genetics/Laboratory Corporation of America, LabCorp
Classification: Uncertain significance. Last evaluated: 2021-08-13. Review status: criteria provided, single submitter. Criteria: LabCorp Variant Classification Summary - May 2015. Collection method: clinical testing. Allele origin: germline.
Comment: Variant summary: BRIP1 c.-4C>T is located in the untranslated mRNA region upstream of the initiation codon. The variant was absent in 251074 control chromosomes (gnomAD). The available data on variant occurrences in the general population are insufficient to allow any conclusion about variant significance. To our knowledge, no occurrence of c.-4C>T in individuals affected with Breast Cancer and no experimental evidence demonstrating its impact on protein function have been reported. No clinical diagnostic laboratories have submitted clinical-significance assessments for this variant to ClinVar after 2014. Based on the evidence outlined above, the variant was classified as uncertain significance.

NM_032043.3(BRIP1):c.-4C>T

Gene: BRIP1 (BRCA1 interacting DNA helicase 1; minus strand). Cytogenetic location: 17q23.2.
Variant type: single nucleotide variant.
Coding change: c.-4C>T on transcript NM_032043.3 (MANE Select); 4 bases upstream of the start codon, C replaced by T.
Molecular consequence: 5 prime UTR variant.
Genome position (GRCh38, 1-based): chr17:61,861,543, G>A on the plus strand (C>T on the coding strand, the complement: BRIP1 is on the minus strand). VCF-style: chr17-61861543-G-A. GRCh37 (hg19) VCF-style: chr17-59938904-G-A.
Identifiers: ClinVar variation 1217246 (VCV001217246.21), dbSNP rs2145866620, ClinGen allele CA2499224824.